The following is an entry in ClinVar:

ClinVar aggregate classification (germline): Pathogenic (1 of 4 stars; one submission).

Conditions:
Leigh syndrome (NULS). Also called: Leigh's necrotizing encephalopathy; Leigh's disease; Leigh Disease; Subacute necrotizing encephalopathy; Necrotizing encephalopathy infantile subacute of Leigh; Leigh's syndrome. Identifiers: Orphanet 506, MedGen C2931891, MONDO:0009723, OMIM 256000.

Submission:

Labcorp Genetics (formerly Invitae), Labcorp
Classification: Pathogenic for Leigh syndrome. Last evaluated: 2023-01-24. Review status: criteria provided, single submitter. Criteria: Invitae Variant Classification Sherloc (09022015). Collection method: clinical testing. Allele origin: germline.
Comment: For these reasons, this variant has been classified as Pathogenic. This variant has not been reported in the literature in individuals affected with SURF1-related conditions. This variant is not present in population databases (gnomAD no frequency). This sequence change creates a premature translational stop signal (p.Ile197Argfs*10) in the SURF1 gene. It is expected to result in an absent or disrupted protein product. Loss-of-function variants in SURF1 are known to be pathogenic (PMID: 10443880, 22488715, 24027061).

Literature cited by the submitters: PubMed 10443880; PubMed 22488715; PubMed 24027061.

NC_000009.12:g.133352606_133352609del

Gene: SURF1 (SURF1 cytochrome c oxidase assembly factor; minus strand). Cytogenetic location: 9q34.2.
Variant type: Deletion.
Genome position: GRCh38 VCF-style: chr9-133352603-CTCAA-C. GRCh37 (hg19) VCF-style: chr9-136219458-CTCAA-C.
Identifiers: ClinVar variation 2831733 (VCV002831733.3), dbSNP rs2490616299, ClinGen allele CA2739265145.